The following is an entry in ClinVar:

NM_001369.3(DNAH5):c.4324A>G (p.Ile1442Val)

Genes: DNAH5 (dynein axonemal heavy chain 5; minus strand), DNAH5-AS1 (DNAH5 antisense RNA 1; plus strand). Cytogenetic location: 5p15.2.
Variant type: single nucleotide variant.
Coding change: c.4324A>G on transcript NM_001369.3 (MANE Select); coding-DNA position 4324, A replaced by G.
Protein change: p.Ile1442Val; replaces isoleucine 1442 with valine.
Molecular consequence: missense variant.
Genome position (GRCh38, 1-based): chr5:13,865,699, T>C on the plus strand (A>G on the coding strand, the complement: DNAH5 is on the minus strand). VCF-style: chr5-13865699-T-C. GRCh37 (hg19) VCF-style: chr5-13865808-T-C.
Other names: short protein forms I1442V.
Identifiers: ClinVar variation 1199294 (VCV001199294.4), dbSNP rs371141184, ClinGen allele CA359224598.

ClinVar aggregate classification (germline): Uncertain significance. Review status: criteria provided, multiple submitters, no conflicts (2 of 4 stars). 2 submissions from 2 submitters: Uncertain significance (2). Last evaluated 2026-05-14.

Conditions:
Primary ciliary dyskinesia 3. Identifiers: Orphanet 244, MedGen C1837618, MONDO:0012085, OMIM 608644.
Primary ciliary dyskinesia. Also called: Ciliary dyskinesia. Identifiers: Orphanet 244, MedGen C0008780, MONDO:0016575, HP:0012265.

Submissions (2):

Ambry Genetics
Classification: Uncertain significance for Primary ciliary dyskinesia. Last evaluated: 2026-05-14. Review status: criteria provided, single submitter. Criteria: Ambry Variant Classification Scheme 2023. Collection method: clinical testing. Allele origin: germline.
Comment: The p.I1442V variant (also known as c.4324A>G), located in coding exon 27 of the DNAH5 gene, results from an A to G substitution at nucleotide position 4324. The isoleucine at codon 1442 is replaced by valine, an amino acid with highly similar properties. This amino acid position is conserved. In addition, this alteration is predicted to be tolerated by in silico analysis. Based on the available evidence, the clinical significance of this variant remains unclear.

Genome-Nilou Lab
Classification: Uncertain significance for Primary ciliary dyskinesia 3. Last evaluated: 2021-07-14. Review status: criteria provided, single submitter. Criteria: ACMG Guidelines, 2015. Collection method: clinical testing. Allele origin: germline. Affected: no.